The following is an entry in ClinVar:

ClinVar aggregate classification (germline): Uncertain significance. Review status: criteria provided, multiple submitters, no conflicts (2 of 4 stars). 2 submissions from 2 submitters: Uncertain significance (2). Last evaluated 2024-06-16.

Conditions:
CODAS syndrome. Also called: CEREBRAL, OCULAR, DENTAL, AURICULAR, AND SKELETAL ANOMALIES SYNDROME. Identifiers: Orphanet 1458, MedGen C1838180, MONDO:0010879, OMIM 600373.

Allele frequency attached by ClinVar (database versions not stated): ExAC 0.00002; gnomAD exomes 0.00002; TOPMed 0.00002; gnomAD 0.00001.
gnomAD v4.1: 24 of 1,613,844 alleles (0.0015%); highest among the groups gnomAD compares: Admixed American, 0.0033%; no homozygotes.

Submissions (2):

Labcorp Genetics (formerly Invitae), Labcorp
Classification: Uncertain significance. Last evaluated: 2024-06-16. Review status: criteria provided, single submitter. Criteria: Invitae Variant Classification Sherloc (09022015). Collection method: clinical testing. Allele origin: germline.
Comment: This sequence change replaces glutamic acid, which is acidic and polar, with lysine, which is basic and polar, at codon 846 of the LONP1 protein (p.Glu846Lys). This variant is present in population databases (rs752945140, gnomAD 0.006%). This variant has not been reported in the literature in individuals affected with LONP1-related conditions. ClinVar contains an entry for this variant (Variation ID: 813926). An algorithm developed to predict the effect of missense changes on protein structure and function (PolyPhen-2) suggests that this variant is likely to be disruptive. In summary, the available evidence is currently insufficient to determine the role of this variant in disease. Therefore, it has been classified as a Variant of Uncertain Significance.

Broad Center for Mendelian Genomics, Broad Institute of MIT and Harvard
Classification: Uncertain significance for CODAS syndrome. Last evaluated: 2018-12-03. Review status: criteria provided, single submitter. Criteria: ACMG Guidelines, 2015. Collection method: research. Allele origin: germline. Inheritance: Autosomal recessive inheritance. Affected: yes.
Comment: This variant has been identified in 0.005957% (2/33572) of Latino chromosomes by the Genome Aggregation Database (gnomAD; dbSNP rs752945140). Although this variant has been seen in the general population, its frequency is low enough to be consistent with a recessive carrier frequency. Computational prediction tools and conservation analyses do not provide strong support for or against an impact to the protein. This variant is located in the last three bases of the exon, which is part of the 5' splice region. Additional computational tools do not suggest an impact to splicing. However, in the absence of RNA/functional studies, this information is not predictive enough to rule out pathogenicity. In summary, while there is some suspicion for a pathogenic role, the clinical significance of this variant is uncertain. ACMG/AMP Criteria applied: PM2 (Richards 2015).

NM_004793.4(LONP1):c.2536G>A (p.Glu846Lys)

Gene: LONP1 (lon peptidase 1, mitochondrial; minus strand). Cytogenetic location: 19p13.3.
Variant type: single nucleotide variant.
Coding change: c.2536G>A on transcript NM_004793.4 (MANE Select); coding-DNA position 2536, G replaced by A.
Protein change: p.Glu846Lys; replaces glutamic acid 846 with lysine.
Molecular consequence: missense variant. On other transcripts: non-coding transcript variant (1).
Genome position (GRCh38, 1-based): chr19:5,693,554, C>T on the plus strand (G>A on the coding strand, the complement: LONP1 is on the minus strand). VCF-style: chr19-5693554-C-T. GRCh37 (hg19) VCF-style: chr19-5693565-C-T.
Other names: c.2344G>A, p.Glu782Lys (NM_001276479.2); c.1948G>A, p.Glu650Lys (NM_001276480.1); short protein forms E650K, E782K, E846K.
Identifiers: ClinVar variation 813926 (VCV000813926.8), dbSNP rs752945140, ClinGen allele CA9114085.
Genomic context (GRCh38, chr19:5,693,554, plus strand): 5'-AGGTGGCCAGCAGCCCAGGGACTGGGCGGGAGCAGGTGGGAGCGGATGGCGCGGTCACCT[C>T]GGGCACATGCAGGTGGATGTGTGAGGTCACCAGGTAGTCATTGGCGGGGGCGTGCTGCAT-3'
Protein context (NP_004784.2, residues 836-856): VTSHIHLHVP[Glu846Lys]GATPKDGPSA